The following is an entry in ClinVar:

ClinVar aggregate classification (germline): Uncertain significance. Review status: criteria provided, multiple submitters, no conflicts (2 of 4 stars). 2 submissions from 2 submitters: Uncertain significance (2). Last evaluated 2025-06-24.

Allele frequency attached by ClinVar (database versions not stated): gnomAD exomes 0.00001 and 0.00002; ExAC 0.00002; TOPMed 0.00001.
gnomAD v4.1: 4 of 1,608,906 alleles (0.00025%); highest among the groups gnomAD compares: Non-Finnish European, 0.00034%; no homozygotes.

Submissions (2):

Labcorp Genetics (formerly Invitae), Labcorp
Classification: Uncertain significance. Last evaluated: 2025-06-24. Review status: criteria provided, single submitter. Criteria: Invitae Variant Classification Sherloc (09022015). Collection method: clinical testing. Allele origin: germline.
Comment: This sequence change replaces leucine, which is neutral and non-polar, with valine, which is neutral and non-polar, at codon 346 of the ARHGEF1 protein (p.Leu346Val). This variant is present in population databases (rs782296067, gnomAD 0.004%). This variant has not been reported in the literature in individuals affected with ARHGEF1-related conditions. ClinVar contains an entry for this variant (Variation ID: 1403174). An algorithm developed to predict the effect of missense changes on protein structure and function outputs the following: PolyPhen-2: "Benign". The valine amino acid residue is found in multiple mammalian species, which suggests that this missense change does not adversely affect protein function. In summary, the available evidence is currently insufficient to determine the role of this variant in disease. Therefore, it has been classified as a Variant of Uncertain Significance.

Ambry Genetics
Classification: Uncertain significance. Last evaluated: 2022-10-25. Review status: criteria provided, single submitter. Criteria: Ambry Variant Classification Scheme 2023. Collection method: clinical testing. Allele origin: germline.

NM_004706.4(ARHGEF1):c.991C>G (p.Leu331Val)

Gene: ARHGEF1 (Rho guanine nucleotide exchange factor 1; plus strand). Cytogenetic location: 19q13.2.
Variant type: single nucleotide variant.
Coding change: c.991C>G on transcript NM_004706.4 (MANE Select); coding-DNA position 991, C replaced by G.
Protein change: p.Leu331Val; replaces leucine 331 with valine.
Molecular consequence: missense variant.
Genome position (GRCh38, 1-based): chr19:41,895,462, C>G. VCF-style: chr19-41895462-C-G. GRCh37 (hg19) VCF-style: chr19-42399535-C-G.
Other names: c.1036C>G (NM_199002.1); c.892C>G, p.Leu298Val (NM_198977.2); c.1036C>G, p.Leu346Val (NM_199002.2); short protein forms L298V, L331V, L346V.
Identifiers: ClinVar variation 1403174 (VCV001403174.7), dbSNP rs782296067, ClinGen allele CA9466129.